The following is an entry in ClinVar:

ClinVar aggregate classification (germline): Uncertain significance (1 of 4 stars; one submission).

Conditions:
Hereditary breast ovarian cancer syndrome. Also called: BRCA1- and BRCA2-Associated Hereditary Breast and Ovarian Cancer; Hereditary breast and ovarian cancer syndrome (HBOC); Hereditary breast and/or ovarian cancer syndrome; Hereditary breast and ovarian cancer syndrome; Hereditary breast and ovarian cancer; Breast and ovarian cancer. Identifiers: Orphanet 145, MedGen C0677776, MeSH D061325, MONDO:0003582. Disease mechanism: loss of function.

Submission:

Labcorp Genetics (formerly Invitae), Labcorp
Classification: Uncertain significance for Hereditary breast ovarian cancer syndrome. Last evaluated: 2022-08-27. Review status: criteria provided, single submitter. Criteria: Invitae Variant Classification Sherloc (09022015). Collection method: clinical testing. Allele origin: germline.
Comment: This variant is not present in population databases (gnomAD no frequency). This sequence change replaces glutamic acid, which is acidic and polar, with glutamine, which is neutral and polar, at codon 2863 of the BRCA2 protein (p.Glu2863Gln). In summary, the available evidence is currently insufficient to determine the role of this variant in disease. Therefore, it has been classified as a Variant of Uncertain Significance. Advanced modeling of protein sequence and biophysical properties (such as structural, functional, and spatial information, amino acid conservation, physicochemical variation, residue mobility, and thermodynamic stability) performed at Invitae indicates that this missense variant is not expected to disrupt BRCA2 protein function. This variant has not been reported in the literature in individuals affected with BRCA2-related conditions.

NM_000059.4(BRCA2):c.8587G>C (p.Glu2863Gln)

Gene: BRCA2 (BRCA2 DNA repair associated; plus strand). Cytogenetic location: 13q13.1.
Variant type: single nucleotide variant.
Coding change: c.8587G>C on transcript NM_000059.4 (MANE Select); coding-DNA position 8587, G replaced by C.
Protein change: p.Glu2863Gln; replaces glutamic acid 2863 with glutamine.
Molecular consequence: missense variant.
Genome position (GRCh38, 1-based): chr13:32,371,055, G>C. VCF-style: chr13-32371055-G-C. GRCh37 (hg19) VCF-style: chr13-32945192-G-C.
Other names: c.8491G>C, p.Glu2831Gln (NM_001406719.1); c.8587G>C, p.Glu2863Gln (NM_001406720.1); c.3655G>C, p.Glu1219Gln (NM_001406721.1); c.2170G>C, p.Glu724Gln (NM_001406722.1); short protein forms E1219Q, E2831Q, E2863Q, E724Q.
Identifiers: ClinVar variation 1718052 (VCV001718052.6), dbSNP rs2137600743, ClinGen allele CA387752851.